The following is an entry in ClinVar:

NM_003185.4(TAF4):c.1402A>T (p.Ile468Phe)

Gene: TAF4 (TATA-box binding protein associated factor 4; minus strand). Cytogenetic location: 20q13.33.
Variant type: single nucleotide variant.
Coding change: c.1402A>T on transcript NM_003185.4 (MANE Select); coding-DNA position 1402, A replaced by T.
Protein change: p.Ile468Phe; replaces isoleucine 468 with phenylalanine.
Molecular consequence: missense variant.
Genome position (GRCh38, 1-based): chr20:62,014,666, T>A on the plus strand (A>T on the coding strand, the complement: TAF4 is on the minus strand). VCF-style: chr20-62014666-T-A. GRCh37 (hg19) VCF-style: chr20-60589722-T-A.
Other names: short protein forms I468F.
Identifiers: ClinVar variation 3383859 (VCV003383859.1).

ClinVar aggregate classification (germline): Uncertain significance (1 of 4 stars; one submission).

Submission:

GeneDx
Classification: Uncertain significance. Last evaluated: 2024-06-02. Review status: criteria provided, single submitter. Criteria: GeneDx Variant Classification Process June 2021. Collection method: clinical testing. Allele origin: germline. Affected: yes.
Comment: Not observed at significant frequency in large population cohorts (gnomAD); In silico analysis indicates that this missense variant does not alter protein structure/function; In silico analysis suggests this variant may impact gene splicing. In the absence of RNA/functional studies, the actual effect of this sequence change is unknown; Has not been previously published as pathogenic or benign to our knowledge